The following is an entry in ClinVar:

NM_016306.6(DNAJB11):c.413T>C (p.Leu138Pro)

Gene: DNAJB11 (DnaJ heat shock protein family (Hsp40) member B11; plus strand). Cytogenetic location: 3q27.3.
Variant type: single nucleotide variant.
Coding change: c.413T>C on transcript NM_016306.6 (MANE Select); coding-DNA position 413, T replaced by C.
Protein change: p.Leu138Pro; replaces leucine 138 with proline.
Molecular consequence: missense variant. On other transcripts: non-coding transcript variant (5), intron variant (1).
Genome position (GRCh38, 1-based): chr3:186,577,757, T>C. VCF-style: chr3-186577757-T-C. GRCh37 (hg19) VCF-style: chr3-186295546-T-C.
Other names: c.323+1820T>C (NM_001378451.1); short protein forms L138P.
Identifiers: ClinVar variation 4531887 (VCV004531887.1).

ClinVar aggregate classification (germline): Uncertain significance (1 of 4 stars; one submission).

Conditions:
Polycystic kidney disease 6 with or without polycystic liver disease. Also called: Autosomal Dominant Polycystic Kidney Disease-DNAJB11. Identifiers: MedGen C4748044, MONDO:0054842, OMIM 618061.

Submission:

Victorian Clinical Genetics Services, Murdoch Childrens Research Institute
Classification: Uncertain significance for Polycystic kidney disease 6 with or without polycystic liver disease. Last evaluated: 2025-04-16. Review status: criteria provided, single submitter. Criteria: ACMG Guidelines, 2015. Collection method: clinical testing. Allele origin: germline. Affected: yes.
Comment: This variant is classified as VUS-3A. Evidence in support of pathogenic classification: Variant is present in gnomAD <0.001 for a dominant condition (v4: 1 heterozygote(s), 0 homozygote(s)); This variant has limited previous evidence of pathogenicity in an unrelated individual(s). Missense variant predicted to be damaging by in silico tool(s) or highly conserved with a major amino acid change. Additional information: Variant is predicted to result in a missense amino acid change from leucine to proline; This variant is heterozygous; This gene is associated with autosomal dominant disease. However, there is emerging evidence of a recessive association (PMID: 33129895, 34177435); Alternative amino acid change(s) at the same position are present in gnomAD (Highest allele count: v4: 3 heterozygote(s), 0 homozygote(s)); No published segregation evidence has been identified for this variant; No published functional evidence has been identified for this variant; No comparable missense variants have previous evidence for pathogenicity; Variant is located in the annotated DnaJ_C terminal domain (DECIPHER); Loss of function is a known mechanism of disease in this gene and is associated with polycystic kidney disease 6 with or without polycystic liver disease (MIM#618061); Inheritance information for this variant is not currently available in this individual.

Literature cited by the submitters: PubMed 33129895; PubMed 34177435.